The following is an entry in ClinVar:

NM_016373.4(WWOX):c.59C>G (p.Pro20Arg)

Gene: WWOX (WW domain containing oxidoreductase; plus strand). Cytogenetic location: 16q23.1.
Variant type: single nucleotide variant.
Coding change: c.59C>G on transcript NM_016373.4 (MANE Select); coding-DNA position 59, C replaced by G.
Protein change: p.Pro20Arg; replaces proline 20 with arginine.
Molecular consequence: missense variant. On other transcripts: 5 prime UTR variant (1), non-coding transcript variant (2).
Genome position (GRCh38, 1-based): chr16:78,099,837, C>G. VCF-style: chr16-78099837-C-G. GRCh37 (hg19) VCF-style: chr16-78133734-C-G.
Other names: c.-216C>G (NM_001291997.2); c.59C>G, p.Pro20Arg (NM_130791.5); short protein forms P20R.
Identifiers: ClinVar variation 1470501 (VCV001470501.6), dbSNP rs761638116, ClinGen allele CA396841845.

ClinVar aggregate classification (germline): Uncertain significance (1 of 4 stars; one submission).

Conditions:
Developmental and epileptic encephalopathy, 1 (DEE1). Also called: Epileptic encephalopathy, early infantile, 1; X-linked infantile spasms; West's syndrome; Tonic spasms with clustering, arrest of psychomotor development and hypsarrhythmia on EEG; X-Linked Infantile Spasm Syndrome; OHTAHARA SYNDROME, X-LINKED. Identifiers: MedGen C3463992, MONDO:0010632, OMIM 308350. Disease mechanism: loss of function.
Autosomal recessive spinocerebellar ataxia 12. Also called: SPINOCEREBELLAR ATAXIA WITH MENTAL RETARDATION AND EPILEPSY. Identifiers: Orphanet 284282, MedGen C3280452, MONDO:0013687, OMIM 614322.

gnomAD v4.1: 2 of 1,581,882 alleles (0.00013%); highest among the groups gnomAD compares: Non-Finnish European, 0.00017%; no homozygotes.

Submission:

Labcorp Genetics (formerly Invitae), Labcorp
Classification: Uncertain significance for Developmental and epileptic encephalopathy, 1; Autosomal recessive spinocerebellar ataxia 12. Last evaluated: 2021-04-24. Review status: criteria provided, single submitter. Criteria: Invitae Variant Classification Sherloc (09022015). Collection method: clinical testing. Allele origin: germline.
Comment: This sequence change replaces proline with arginine at codon 20 of the WWOX protein (p.Pro20Arg). The proline residue is highly conserved and there is a moderate physicochemical difference between proline and arginine. This variant is not present in population databases (ExAC no frequency). This variant has not been reported in the literature in individuals with WWOX-related conditions. Algorithms developed to predict the effect of missense changes on protein structure and function are either unavailable or do not agree on the potential impact of this missense change (SIFT: "Not Available"; PolyPhen-2: "Probably Damaging"; Align-GVGD: "Not Available"). In summary, the available evidence is currently insufficient to determine the role of this variant in disease. Therefore, it has been classified as a Variant of Uncertain Significance.